The following is an entry in ClinVar:

ClinVar aggregate classification (germline): Likely pathogenic (1 of 4 stars; one submission).

Conditions:
Mucopolysaccharidosis, MPS-II (MPS2). Also called: Hunter Syndrome; IDURONATE 2-SULFATASE DEFICIENCY; Mucopolysaccharidosis Type II; Mucopolysaccharidosis type 2; Attenuated MPS (subtype; formerly known as mild MPS II); Severe MPS II. Identifiers: Orphanet 580, Orphanet 79388, MedGen C0026705, MONDO:0010674, OMIM 309900.

Submission:

Laboratory of Diagnosis and Therapy of Lysosomal Disorders, University of Padova
Classification: Likely pathogenic for Mucopolysaccharidosis, MPS-II. Last evaluated: 2024-06-07. Review status: criteria provided, single submitter. Criteria: ACMG Guidelines, 2015. Collection method: literature only. Allele origin: germline. Affected: yes. Observed: 1 variant allele.
Comment: Absent from controls (or at low frequency) in gnomAD database (PM2_Moderate), Missense variant in a gene with a low rate of benign missense variation (PP2_Supporting), Multiple lines of computational evidence support a deleterious effect (PP3_Supporting), Patient’s phenotype or family history highly specific for the disease (PP4_Strong)

Classification method: ACMG Guidelines [PMID:25741868] with modifications

Literature cited by the submitters: PubMed 36945845.

NM_000202.8(IDS):c.200T>G (p.Leu67Arg)

Gene: IDS (iduronate 2-sulfatase; minus strand). Cytogenetic location: Xq28.
Variant type: single nucleotide variant.
Coding change: c.200T>G on transcript NM_000202.8 (MANE Select); coding-DNA position 200, T replaced by G.
Protein change: p.Leu67Arg; replaces leucine 67 with arginine.
Molecular consequence: missense variant. On other transcripts: non-coding transcript variant (1), 5 prime UTR variant (1).
Genome position (GRCh38, 1-based): chrX:149,504,197, A>C on the plus strand (T>G on the coding strand, the complement: IDS is on the minus strand). VCF-style: chrX-149504197-A-C. GRCh37 (hg19) VCF-style: chrX-148585727-A-C.
Other names: c.200T>G, p.Leu67Arg (NM_006123.5); c.-27T>G (NM_001166550.4); short protein forms L67R.
Identifiers: ClinVar variation 3256048 (VCV003256048.2).